The following is an entry in ClinVar:

ClinVar aggregate classification (germline): Pathogenic/Likely pathogenic. Review status: criteria provided, multiple submitters, no conflicts (2 of 4 stars). 6 submissions from 6 submitters: Pathogenic (3); Likely pathogenic (2). 1 of the submissions does not count toward it. Last evaluated 2025-08-29.

Conditions:
Hypophosphatasia. Also called: Phosphoethanol-aminuria. Identifiers: Orphanet 436, MedGen C0020630, MeSH D007014, MONDO:0018570.
Adult hypophosphatasia. Identifiers: Orphanet 247676, Orphanet 436, MedGen C0268413, MONDO:1010154, OMIM 146300, MONDO:0007798.
Infantile hypophosphatasia. Identifiers: Orphanet 247651, Orphanet 436, MedGen C0268412, MONDO:1010169, OMIM 241500, MONDO:0009427.

Submissions (6):

Genomenon, Inc
Classification: Pathogenic for Hypophosphatasia. Last evaluated: 2025-08-29. Review status: criteria provided, single submitter. Criteria: Genomenon Sequence Variant Interpretation Standards. Collection method: curation. Allele origin: germline. Affected: yes.
Comment: ALPL p.Ser364ArgfsTer42 (c.1088_1091dup) is a frameshift variant that results in the production of a truncated protein which is predicted to undergo nonsense-mediated mRNA decay. This variant has been observed in a proband affected with hypophosphatasia (PMID:28127875). It is absent or not present at a significant frequency in gnomAD. In conclusion, we classify ALPL p.Ser364ArgfsTer42 (c.1088_1091dup) as a pathogenic variant.

GeneDx
Classification: Likely pathogenic. Last evaluated: 2025-08-04. Review status: criteria provided, single submitter. Criteria: GeneDx Variant Classification Process June 2021. Collection method: clinical testing. Allele origin: germline. Affected: yes.
Comment: Observed in a patient with low alkaline phosphatase levels; detailed clinical information and segregation was not reported (PMID: 26783040); Frameshift variant predicted to result in protein truncation or nonsense mediated decay in a gene for which loss of function is a known mechanism of disease; Not observed at significant frequency in large population cohorts (gnomAD); This variant is associated with the following publications: (PMID: 26783040)

Women's Health and Genetics/Laboratory Corporation of America, LabCorp
Classification: Pathogenic for Hypophosphatasia. Last evaluated: 2025-01-23. Review status: criteria provided, single submitter. Criteria: LabCorp Variant Classification Summary - May 2015. Collection method: clinical testing. Allele origin: germline.
Comment: Variant summary: ALPL c.1088_1091dupGCAG (p.Ser364ArgfsX42) results in a premature termination codon, predicted to cause a truncation of the encoded protein or absence of the protein due to nonsense mediated decay, which are commonly known mechanisms for disease. The variant was absent in 251478 control chromosomes. c.1088_1091dupGCAG has been reported in the literature in at-least one individual affected with autosomal dominant adult-onset hypophosphatasia (example: Riancho-Zarrabeitia_2016). To our knowledge, no experimental evidence demonstrating an impact on protein function has been reported. The following publication has been ascertained in the context of this evaluation (PMID: 26783040). ClinVar contains an entry for this variant (Variation ID: 371504). Based on the evidence outlined above, this variant is pathogenic for autosomal dominant hypophosphatasia and autosomal recessive hypophosphatasia.

Labcorp Genetics (formerly Invitae), Labcorp
Classification: Pathogenic. Last evaluated: 2023-08-16. Review status: criteria provided, single submitter. Criteria: Invitae Variant Classification Sherloc (09022015). Collection method: clinical testing. Allele origin: germline.
Comment: This sequence change creates a premature translational stop signal (p.Ser364Argfs*42) in the ALPL gene. It is expected to result in an absent or disrupted protein product. Loss-of-function variants in ALPL are known to be pathogenic (PMID: 3174660, 10679946, 32973344, 33814268). For these reasons, this variant has been classified as Pathogenic. This premature translational stop signal has been observed in individual(s) with biochemical features of autosomal dominant hypophosphatasia (PMID: 26783040). This variant is not present in population databases (gnomAD no frequency).

Baylor Genetics
Classification: Likely pathogenic for Adult hypophosphatasia. Last evaluated: 2023-06-14. Review status: criteria provided, single submitter. Criteria: ACMG Guidelines, 2015. Collection method: clinical testing. Allele origin: unknown.

Counsyl
Classification: Likely pathogenic for Infantile hypophosphatasia. Last evaluated: 2016-10-05. Review status: no assertion criteria provided. Collection method: clinical testing. Allele origin: unknown. Not counted in ClinVar's aggregate classification.

Literature cited by the submitters: PubMed 28127875 (cited by Genomenon, Inc and Women's Health and Genetics/Laboratory Corporation of America, LabCorp); PubMed 26783040 (cited by 3 submitters); PubMed 3174660 (cited by Labcorp Genetics (formerly Invitae), Labcorp); PubMed 10679946 (cited by Labcorp Genetics (formerly Invitae), Labcorp); PubMed 32973344 (cited by Labcorp Genetics (formerly Invitae), Labcorp); PubMed 33814268 (cited by Labcorp Genetics (formerly Invitae), Labcorp).

NM_000478.6(ALPL):c.1088_1091dup (p.Ser364fs)

Gene: ALPL (alkaline phosphatase, biomineralization associated; plus strand). Cytogenetic location: 1p36.12.
Variant type: Microsatellite.
Coding change: c.1088_1091dup on transcript NM_000478.6 (MANE Select); coding-DNA positions 1088 to 1091, 4 bases duplicated (GCAG; older notation c.1088_1091dupGCAG).
Protein change: p.Ser364fs; shifts the reading frame from serine 364.
Molecular consequence: frameshift variant.
Genome position (GRCh38, 1-based): chr1:21,575,823-21,575,826, GCAG duplicated; duplicating any 4 consecutive bases within chr1:21,575,814-21,575,826 gives the same sequence; the c. name uses the placement nearest the transcript's 3' end. VCF-style (leftmost placement, unchanged base first): chr1-21575813-G-GGGCA. GRCh37 (hg19) VCF-style: chr1-21902306-G-GGGCA.
Other names: c.923_926dup, p.Ser309fs (NM_001127501.4); c.857_860dup, p.Ser287fs (NM_001177520.3); c.1088_1091dup, p.Ser364fs (NM_001369803.2, NM_001369804.2, NM_001369805.2); c.1088_1091dupGCAG (NM_000478.6); c.1088_1091dup (NM_000478.4); short protein forms S364fs, S287fs, S309fs.
Identifiers: ClinVar variation 371504 (VCV000371504.11), dbSNP rs1057517322, ClinGen allele CA16040722.